The following is an entry in ClinVar:

NM_001142800.2(EYS):c.6544_6547del (p.Asn2182fs)

Gene: EYS (EGF-like photoreceptor maintenance factor; minus strand). Cytogenetic location: 6q12.
Variant type: Microsatellite.
Coding change: c.6544_6547del on transcript NM_001142800.2 (MANE Select); coding-DNA positions 6544 to 6547, 4 bases deleted (AACA; older notation c.6544_6547delAACA).
Protein change: p.Asn2182fs; shifts the reading frame from asparagine 2182.
Molecular consequence: frameshift variant.
Genome position (GRCh38, 1-based): chr6:64,081,880-64,081,883, TGTT deleted on the plus strand (AACA on the coding strand, the reverse complement: EYS is on the minus strand); deleting any 4 consecutive bases within chr6:64,081,880-64,081,888 gives the same sequence; the c. name uses the placement nearest the transcript's 3' end. VCF-style (leftmost placement, unchanged base first): chr6-64081879-CTGTT-C. GRCh37 (hg19) VCF-style: chr6-64791772-CTGTT-C.
Other names: c.6544_6547delAACA (NM_001142800.1); c.6544_6547del, p.Asn2182fs (NM_001292009.2); short protein forms N2182fs.
Identifiers: ClinVar variation 813179 (VCV000813179.43), dbSNP rs1488052513, ClinGen allele CA567712745.

ClinVar aggregate classification (germline): Pathogenic. Review status: criteria provided, multiple submitters, no conflicts (2 of 4 stars). 6 submissions from 6 submitters: Pathogenic (6). Last evaluated 2025-07-16.

Conditions:
Retinitis pigmentosa (RP). Identifiers: Orphanet 791, MedGen C0035334, MeSH D012174, MONDO:0019200, OMIM 268000. Inheritance: Autosomal dominant, autosomal recessive and X linked inheritance.
Retinitis pigmentosa 25 (RP25). Identifiers: Orphanet 791, MedGen C1864446, MONDO:0011272, OMIM 602772.
Retinal dystrophy. Also called: Inherited retinal dystrophy. Identifiers: Orphanet 71862, MedGen C0854723, MeSH D058499, MONDO:0019118, HP:0000556.

Submissions (6):

Myriad Genetics, Inc.
Classification: Pathogenic for Retinitis pigmentosa 25. Last evaluated: 2025-07-16. Review status: criteria provided, single submitter. Criteria: Myriad Autosomal Dominant, Autosomal Recessive and X-Linked Classification Criteria (2023). Collection method: clinical testing. Allele origin: unknown.
Comment: NM_001142800.1(EYS):c.6544_6547delAACA(N2182Vfs*2) is a frameshift variant classified as pathogenic in the context of retinitis pigmentosa, EYS-related. N2182Vfs*2 has been observed in cases with relevant disease (PMID: 30543658, 32531858, 34315337, 37798099, 32037395). Relevant functional assessments of this variant are not available in the literature. N2182Vfs*2 has not been observed in referenced population frequency databases. In summary, NM_001142800.1(EYS):c.6544_6547delAACA(N2182Vfs*2) is a frameshift variant in a gene where loss of function is a known mechanism of disease, is predicted to disrupt protein function, and has been observed more frequently in cases with the relevant disease than in healthy populations. Please note: this variant was assessed in the context of healthy population screening.

Lab De Baere, Eye and Developmental Genetics Lab, Ghent University
Classification: Pathogenic for Retinitis pigmentosa. Last evaluated: 2024-10-01. Review status: criteria provided, single submitter. Criteria: ACMG Guidelines, 2015. Collection method: research. Allele origin: inherited. Affected: yes. Observed: 1 variant allele.
Comment: ACMG/AMP guidelines: PM2, PP4_PP, PP5, PVS1, PP1, PM3_PP

Natera, Inc.
Classification: Pathogenic for Retinitis pigmentosa type 25. Last evaluated: 2024-02-20. Review status: criteria provided, single submitter. Criteria: Natera Variant Classification Schema (03/2026). Collection method: clinical testing. Allele origin: germline.
Comment: The c.6544_6547delAACA variant in EYS is a frameshift variant predicted to shift the reading frame beginning at codon 2182 and leads to a stop codon 2 codons downstream. This variant is expected to result in nonsense mediated decay, truncation, or a dysfunctional protein product. This variant is rare in the general population with a frequency below the threshold expected for the associated phenotype(s). This variant has been observed in one or more individuals affected with the associated recessive disease, as either homozygous or compound heterozygous with a second variant (PMID: 34315337, 34178978, 32531858). Given the available evidence, this variant is classified as Pathogenic.

Molecular Genetics Laboratory, Institute for Ophthalmic Research
Classification: Pathogenic for Retinitis pigmentosa. Last evaluated: 2020-01-09. Review status: criteria provided, single submitter. Criteria: ACMG Guidelines, 2015. Collection method: research. Allele origin: germline. Affected: yes.

Institute of Human Genetics, Univ. Regensburg, Univ. Regensburg
Classification: Pathogenic for Retinal dystrophy. Last evaluated: 2020-01-01. Review status: criteria provided, single submitter. Criteria: ACMG Guidelines, 2015. Collection method: clinical testing. Allele origin: germline. Affected: yes.

CeGaT Center for Human Genetics Tuebingen
Classification: Pathogenic. Last evaluated: 2018-06-01. Review status: criteria provided, single submitter. Criteria: CeGaT Center For Human Genetics Tuebingen Variant Classification Criteria Version 2. Collection method: clinical testing. Allele origin: germline. Affected: yes. Observed: 1 variant allele.

Literature cited by the submitters: PubMed 30543658 (cited by Myriad Genetics, Inc. and Institute of Human Genetics, Univ. Regensburg, Univ. Regensburg); PubMed 32037395 (cited by Myriad Genetics, Inc. and Institute of Human Genetics, Univ. Regensburg, Univ. Regensburg); PubMed 32531858 (cited by 3 submitters); PubMed 34315337 (cited by 3 submitters); PubMed 37798099 (cited by Myriad Genetics, Inc.); PubMed 34178978 (cited by Natera, Inc.); PubMed 31054281 (cited by Institute of Human Genetics, Univ. Regensburg, Univ. Regensburg).